The following is an entry in ClinVar:

NM_001961.4(EEF2):c.1401dup (p.Asn468fs)

Gene: EEF2 (eukaryotic translation elongation factor 2; minus strand). Cytogenetic location: 19p13.3.
Variant type: Duplication.
Coding change: c.1401dup on transcript NM_001961.4 (MANE Select); coding-DNA position 1401, one base duplicated (G; older notation c.1401dupG).
Protein change: p.Asn468fs; shifts the reading frame from asparagine 468.
Molecular consequence: frameshift variant.
Genome position (GRCh38, 1-based): chr19:3,980,012, C duplicated on the plus strand (G on the coding strand, the reverse complement: EEF2 is on the minus strand); the first of 3 consecutive C bases (chr19:3,980,012-3,980,014); duplicating any one gives the same sequence. VCF-style (leftmost placement, unchanged base first): chr19-3980011-T-TC. GRCh37 (hg19) VCF-style: chr19-3980009-T-TC.
Other names: short protein forms N468fs.
Identifiers: ClinVar variation 3774815 (VCV003774815.1).

ClinVar aggregate classification (germline): Uncertain significance (1 of 4 stars; one submission).

Submission:

GeneDx
Classification: Uncertain significance. Last evaluated: 2024-09-25. Review status: criteria provided, single submitter. Criteria: GeneDx Variant Classification Process June 2021. Collection method: clinical testing. Allele origin: germline. Affected: yes.
Comment: Not observed at significant frequency in large population cohorts (gnomAD); Frameshift variant predicted to result in protein truncation or nonsense mediated decay in a gene or region of a gene for which loss of function is not a well-established mechanism of disease; Has not been previously published as pathogenic or benign to our knowledge